The following is an entry in ClinVar:

ClinVar aggregate classification (germline): Likely benign (1 of 4 stars; one submission).

Submission:

GeneDx
Classification: Likely benign. Last evaluated: 2018-06-14. Review status: criteria provided, single submitter. Criteria: GeneDx Variant Classification (06012015). Collection method: clinical testing. Allele origin: germline. Affected: yes.
Comment: This variant is considered likely benign or benign based on one or more of the following criteria: it is a conservative change, it occurs at a poorly conserved position in the protein, it is predicted to be benign by multiple in silico algorithms, and/or has population frequency not consistent with disease.

NM_006258.4(PRKG1):c.1403+285_1403+286insACAG

Gene: PRKG1 (protein kinase cGMP-dependent 1; plus strand). Cytogenetic location: 10q21.1.
Variant type: Insertion.
Coding change: c.1403+285_1403+286insACAG on transcript NM_006258.4 (MANE Select); bases 285 to 286 of the intron after coding-DNA position 1403, ACAG inserted.
Molecular consequence: intron variant.
Genome position: GRCh38 VCF-style: chr10-52272764-T-TAGAC. GRCh37 (hg19) VCF-style: chr10-54032524-T-TAGAC.
Other names: c.1358+285_1358+286insACAG (NM_001098512.3).
Identifiers: ClinVar variation 669993 (VCV000669993.1), dbSNP rs143147791, ClinGen allele CA207399907.